The following is an entry in ClinVar:

NM_015386.3(COG4):c.1542G>T (p.Gln514His)

Gene: COG4 (component of oligomeric golgi complex 4; minus strand). Cytogenetic location: 16q22.1.
Variant type: single nucleotide variant.
Coding change: c.1542G>T on transcript NM_015386.3 (MANE Select); coding-DNA position 1542, G replaced by T.
Protein change: p.Gln514His; replaces glutamine 514 with histidine.
Molecular consequence: missense variant. On other transcripts: non-coding transcript variant (1).
Genome position (GRCh38, 1-based): chr16:70,496,371, C>A on the plus strand (G>T on the coding strand, the complement: COG4 is on the minus strand). VCF-style: chr16-70496371-C-A. GRCh37 (hg19) VCF-style: chr16-70530274-C-A.
Other names: c.1530G>T, p.Gln510His (NM_001195139.2); c.1116G>T, p.Gln372His (NM_001365426.1); short protein forms Q510H, Q514H, Q372H.
Identifiers: ClinVar variation 931400 (VCV000931400.3), dbSNP rs2049339762, ClinGen allele CA396572448.

ClinVar aggregate classification (germline): Uncertain significance (1 of 4 stars; one submission).

Conditions:
COG4-congenital disorder of glycosylation. Also called: COG4-CDG; CONGENITAL DISORDER OF GLYCOSYLATION, TYPE IIj; CDG IIj. Identifiers: Orphanet 263501, MedGen C4303552, MONDO:0013281, OMIM 613489.

Allele frequency attached by ClinVar (database versions not stated): gnomAD exomes below 0.00001.
gnomAD v4.1: 1 of 1,614,166 alleles (0.000062%); highest among the groups gnomAD compares: Non-Finnish European, 0.000085%; no homozygotes.

Submission:

Centre for Mendelian Genomics, University Medical Centre Ljubljana
Classification: Uncertain significance for COG4-congenital disorder of glycosylation. Last evaluated: 2019-04-17. Review status: criteria provided, single submitter. Criteria: ACMG Guidelines, 2015. Collection method: clinical testing. Allele origin: unknown. Affected: yes.
Comment: This variant was classified as: Uncertain significance. The available evidence on this variant's pathogenicity is insufficient or conflicting. The following ACMG criteria were applied in classifying this variant: PM2,PP3.